The following is an entry in ClinVar:

NM_001267550.2(TTN):c.62314G>A (p.Asp20772Asn)

Genes: TTN (titin; minus strand), TTN-AS1 (TTN antisense RNA 1; plus strand). Cytogenetic location: 2q31.2.
Variant type: single nucleotide variant.
Coding change: c.62314G>A on transcript NM_001267550.2 (MANE Select); coding-DNA position 62314, G replaced by A.
Protein change: p.Asp20772Asn; replaces aspartic acid 20772 with asparagine.
Molecular consequence: missense variant.
Genome position (GRCh38, 1-based): chr2:178,589,411, C>T on the plus strand (G>A on the coding strand, the complement: TTN is on the minus strand). VCF-style: chr2-178589411-C-T. GRCh37 (hg19) VCF-style: chr2-179454138-C-T.
Other names: c.35119G>A, p.Asp11707Asn (NM_003319.4); c.54610G>A, p.Asp18204Asn (NM_133378.4); c.35494G>A, p.Asp11832Asn (NM_133432.3); c.35695G>A, p.Asp11899Asn (NM_133437.4); c.57391G>A, p.Asp19131Asn (NM_001256850.1); short protein forms D11707N, D11832N, D11899N, D18204N, D19131N, D20772N.
Identifiers: ClinVar variation 1312710 (VCV001312710.3), dbSNP rs878925775, ClinGen allele CA60967262.

ClinVar aggregate classification (germline): Uncertain significance. Review status: criteria provided, multiple submitters, no conflicts (2 of 4 stars). 2 submissions from 2 submitters: Uncertain significance (2). Last evaluated 2021-09-01.

Conditions:
Autosomal recessive limb-girdle muscular dystrophy type 2J (LGMDR10). Also called: Limb-girdle muscular dystrophy, type 2J; MUSCULAR DYSTROPHY, LIMB-GIRDLE, AUTOSOMAL RECESSIVE 10. Identifiers: Orphanet 140922, MedGen C1837342, MONDO:0012127, OMIM 608807.
Hypertrophic cardiomyopathy 9. Also called: Familial hypertrophic cardiomyopathy 9. Identifiers: MedGen C1861065, MONDO:0013412, OMIM 613765.
Early-onset myopathy with fatal cardiomyopathy (CMYO5). Also called: CONGENITAL MYOPATHY 5 WITH CARDIOMYOPATHY; Salih Myopathy. Identifiers: Orphanet 289377, MedGen C2673677, MONDO:0012714, OMIM 611705. Disease mechanism: loss of function.
Dilated cardiomyopathy 1G (CMD1G). Identifiers: Orphanet 154, MedGen C1858763, MONDO:0011400, OMIM 604145.
Myopathy, myofibrillar, 9, with early respiratory failure (MFM9). Also called: Hereditary myopathy with early respiratory failure; EDSTROM MYOPATHY; MYOPATHY, PROXIMAL, WITH EARLY RESPIRATORY MUSCLE INVOLVEMENT; Myopathy, distal, with early respiratory failure, autosomal dominant. Identifiers: Orphanet 178464, Orphanet 34521, MedGen C1863599, MONDO:0011362, OMIM 603689.
Tibial muscular dystrophy (TMD). Also called: Udd Distal Myopathy – Tibial Muscular Dystrophy; UDD MYOPATHY; Tibial muscular dystrophy, tardive. Identifiers: Orphanet 609, MedGen C1838244, MONDO:0010870, OMIM 600334.

Allele frequency attached by ClinVar (database versions not stated): gnomAD exomes below 0.00001; gnomAD 0.00002; TOPMed 0.00002.
gnomAD v4.1: 7 of 1,613,316 alleles (0.00043%); highest among the groups gnomAD compares: Non-Finnish European, 0.00059%; no homozygotes.

Submissions (2):

Fulgent Genetics
Classification: Uncertain significance for Tibial muscular dystrophy; Myopathy, myofibrillar, 9, with early respiratory failure; Dilated cardiomyopathy 1G; Autosomal recessive limb-girdle muscular dystrophy type 2J; Early-onset myopathy with fatal cardiomyopathy; Hypertrophic cardiomyopathy 9. Last evaluated: 2021-09-01. Review status: criteria provided, single submitter. Criteria: ACMG Guidelines, 2015. Collection method: clinical testing. Allele origin: unknown.

GeneDx
Classification: Uncertain significance. Last evaluated: 2020-06-16. Review status: criteria provided, single submitter. Criteria: GeneDx Variant Classification Process June 2021. Collection method: clinical testing. Allele origin: germline. Affected: yes.
Comment: Not observed at a significant frequency in large population cohorts (Lek et al., 2016); Missense variant in a gene in which most reported pathogenic variants are truncating/loss-of-function; Has not been previously published as pathogenic or benign to our knowledge